The following is an entry in ClinVar:

ClinVar aggregate classification (germline): Uncertain significance (1 of 4 stars; one submission).

gnomAD v4.1: 4 of 1,614,102 alleles (0.00025%); highest among the groups gnomAD compares: East Asian, 0.0067%; no homozygotes.

Submission:

Labcorp Genetics (formerly Invitae), Labcorp
Classification: Uncertain significance. Last evaluated: 2024-12-16. Review status: criteria provided, single submitter. Criteria: Invitae Variant Classification Sherloc (09022015). Collection method: clinical testing. Allele origin: germline.
Comment: This sequence change replaces isoleucine, which is neutral and non-polar, with valine, which is neutral and non-polar, at codon 1160 of the USH2A protein (p.Ile1160Val). This variant is not present in population databases (gnomAD no frequency). This variant has not been reported in the literature in individuals affected with USH2A-related conditions. Invitae Evidence Modeling of protein sequence and biophysical properties (such as structural, functional, and spatial information, amino acid conservation, physicochemical variation, residue mobility, and thermodynamic stability) indicates that this missense variant is not expected to disrupt USH2A protein function with a negative predictive value of 95%. In summary, the available evidence is currently insufficient to determine the role of this variant in disease. Therefore, it has been classified as a Variant of Uncertain Significance.

NM_206933.4(USH2A):c.3478A>G (p.Ile1160Val)

Genes: USH2A (usherin; minus strand), USH2A-AS1 (USH2A antisense RNA 1; plus strand). Cytogenetic location: 1q41.
Variant type: single nucleotide variant.
Coding change: c.3478A>G on transcript NM_206933.4 (MANE Select); coding-DNA position 3478, A replaced by G.
Protein change: p.Ile1160Val; replaces isoleucine 1160 with valine.
Molecular consequence: missense variant.
Genome position (GRCh38, 1-based): chr1:216,199,960, T>C on the plus strand (A>G on the coding strand, the complement: USH2A is on the minus strand). VCF-style: chr1-216199960-T-C. GRCh37 (hg19) VCF-style: chr1-216373302-T-C.
Other names: c.3478A>G, p.Ile1160Val (NM_007123.6); short protein forms I1160V.
Identifiers: ClinVar variation 3623925 (VCV003623925.2).